The following is an entry in ClinVar:

NM_007347.5(AP4E1):c.1218A>G (p.Ile406Met)

Gene: AP4E1 (adaptor related protein complex 4 subunit epsilon 1; plus strand). Cytogenetic location: 15q21.2.
Variant type: single nucleotide variant.
Coding change: c.1218A>G on transcript NM_007347.5 (MANE Select); coding-DNA position 1218, A replaced by G.
Protein change: p.Ile406Met; replaces isoleucine 406 with methionine.
Molecular consequence: missense variant.
Genome position (GRCh38, 1-based): chr15:50,948,061, A>G. VCF-style: chr15-50948061-A-G. GRCh37 (hg19) VCF-style: chr15-51240258-A-G.
Other names: c.993A>G, p.Ile331Met (NM_001252127.2); short protein forms I331M, I406M.
Identifiers: ClinVar variation 1469547 (VCV001469547.6), dbSNP rs2140857840, ClinGen allele CA392417175.

ClinVar aggregate classification (germline): Uncertain significance (1 of 4 stars; one submission).

Conditions:
Spastic paraplegia. Identifiers: MedGen C0037772, HP:0001258.

Submission:

Labcorp Genetics (formerly Invitae), Labcorp
Classification: Uncertain significance for Spastic paraplegia. Last evaluated: 2022-11-08. Review status: criteria provided, single submitter. Criteria: Invitae Variant Classification Sherloc (09022015). Collection method: clinical testing. Allele origin: germline.
Comment: In summary, the available evidence is currently insufficient to determine the role of this variant in disease. Therefore, it has been classified as a Variant of Uncertain Significance. Algorithms developed to predict the effect of missense changes on protein structure and function are either unavailable or do not agree on the potential impact of this missense change (SIFT: "Deleterious"; PolyPhen-2: "Possibly Damaging"; Align-GVGD: "Class C0"). ClinVar contains an entry for this variant (Variation ID: 1469547). This variant has not been reported in the literature in individuals affected with AP4E1-related conditions. This variant is not present in population databases (gnomAD no frequency). This sequence change replaces isoleucine, which is neutral and non-polar, with methionine, which is neutral and non-polar, at codon 406 of the AP4E1 protein (p.Ile406Met).